The following is an entry in ClinVar:

ClinVar aggregate classification (germline): Likely pathogenic (1 of 4 stars; one submission).

Submission:

Labcorp Genetics (formerly Invitae), Labcorp
Classification: Likely pathogenic. Last evaluated: 2026-01-26. Review status: criteria provided, single submitter. Criteria: Invitae Variant Classification Sherloc (09022015). Collection method: clinical testing. Allele origin: germline.
Comment: This sequence change affects an acceptor splice site in intron 7 of the COL2A1 gene. It is expected to disrupt RNA splicing. Variants that disrupt the donor or acceptor splice site typically lead to a loss of protein function (PMID: 16199547), and loss-of-function variants in COL2A1 are known to be pathogenic (PMID: 20179744). This variant is not present in population databases (gnomAD no frequency). This variant has not been reported in the literature in individuals affected with COL2A1-related conditions. Algorithms developed to predict the effect of sequence changes on RNA splicing suggest that this variant may disrupt the consensus splice site. In summary, the currently available evidence indicates that the variant is pathogenic, but additional data are needed to prove that conclusively. Therefore, this variant has been classified as Likely Pathogenic.

Literature cited by the submitters: PubMed 16199547; PubMed 20179744.

NM_001844.5(COL2A1):c.532-1G>A

Gene: COL2A1 (collagen type II alpha 1 chain; minus strand). Cytogenetic location: 12q13.11.
Variant type: single nucleotide variant.
Coding change: c.532-1G>A on transcript NM_001844.5 (MANE Select); the canonical splice acceptor site of the intron before coding-DNA position 532, G replaced by A.
Molecular consequence: splice acceptor variant.
Genome position (GRCh38, 1-based): chr12:47,996,626, C>T on the plus strand (G>A on the coding strand, the complement: COL2A1 is on the minus strand). VCF-style: chr12-47996626-C-T. GRCh37 (hg19) VCF-style: chr12-48390409-C-T.
Other names: c.325-1G>A (NM_033150.3).
Identifiers: ClinVar variation 4733158 (VCV004733158.1).